The following is an entry in ClinVar:

NM_000565.4(IL6R):c.903C>T (p.Gly301=)

Gene: IL6R (interleukin 6 receptor; plus strand). Cytogenetic location: 1q21.3.
Variant type: single nucleotide variant.
Coding change: c.903C>T on transcript NM_000565.4 (MANE Select); coding-DNA position 903, C replaced by T.
Protein change: p.Gly301=; no amino-acid change (glycine 301 retained).
Molecular consequence: synonymous variant.
Genome position (GRCh38, 1-based): chr1:154,436,064, C>T. VCF-style: chr1-154436064-C-T. GRCh37 (hg19) VCF-style: chr1-154408540-C-T.
Other names: c.903C>T, p.Gly301= (NM_001206866.2, NM_001382769.1, NM_001382770.1 and 3 more transcripts); c.897C>T, p.Gly299= (NM_001382772.1); c.543C>T, p.Gly181= (NM_001382774.1).
Identifiers: ClinVar variation 3346065 (VCV003346065.8).

ClinVar aggregate classification (germline): Uncertain significance. Review status: criteria provided, single submitter (1 of 4 stars). 2 submissions from 2 submitters: Uncertain significance (1). 1 of the submissions does not count toward it. Last evaluated 2025-06-01.

Conditions:
IL6R-related disorder. Also called: IL6R-related condition.

gnomAD v4.1: 11 of 1,612,852 alleles (0.00068%); highest among the groups gnomAD compares: Middle Eastern, 0.017%; no homozygotes.

Submissions (2):

CeGaT Center for Human Genetics Tuebingen
Classification: Uncertain significance. Last evaluated: 2025-06-01. Review status: criteria provided, single submitter. Criteria: CeGaT Center For Human Genetics Tuebingen Variant Classification Criteria Version 2. Collection method: clinical testing. Allele origin: germline. Affected: yes. Observed: 2 variant alleles.
Comment: IL6R: PM2:Supporting, PP3, PP4

PreventionGenetics, part of Exact Sciences
Classification: Uncertain significance for IL6R-related condition. Last evaluated: 2024-08-12. Review status: no assertion criteria provided. Collection method: clinical testing. Allele origin: germline. Not counted in ClinVar's aggregate classification.
Comment: The IL6R c.903C>T variant is not predicted to result in an amino acid change (p.=). This variant is predicted to alter splicing based on available splicing prediction programs (SpliceAI, Jaganathan et al. 2019. PubMed ID: 30661751). However, the use of computer prediction programs is not equivalent to functional evidence. To our knowledge, this variant has not been reported in the literature. This variant is reported in 0.0018% of alleles in individuals of European (Non-Finnish) descent in gnomAD. At this time, the clinical significance of this variant is uncertain due to the absence of conclusive functional and genetic evidence.